The following is an entry in ClinVar:

NM_025137.4(SPG11):c.2625C>G (p.Tyr875Ter)

Gene: SPG11 (SPG11 vesicle trafficking associated, spatacsin; minus strand). Cytogenetic location: 15q21.1.
Variant type: single nucleotide variant.
Coding change: c.2625C>G on transcript NM_025137.4 (MANE Select); coding-DNA position 2625, C replaced by G.
Protein change: p.Tyr875Ter; replaces tyrosine 875 with a stop codon.
Molecular consequence: nonsense.
Genome position (GRCh38, 1-based): chr15:44,620,399, G>C on the plus strand (C>G on the coding strand, the complement: SPG11 is on the minus strand). VCF-style: chr15-44620399-G-C. GRCh37 (hg19) VCF-style: chr15-44912597-G-C.
Other names: p.Tyr875*; c.2625C>G, p.Tyr875Ter (NM_001160227.2, NM_001411132.1); short protein forms Y875*.
Identifiers: ClinVar variation 3014840 (VCV003014840.4), dbSNP rs2505543171, ClinGen allele CA392230986.

ClinVar aggregate classification (germline): Pathogenic/Likely pathogenic. Review status: criteria provided, multiple submitters, no conflicts (2 of 4 stars). 2 submissions from 2 submitters: Pathogenic (1); Likely pathogenic (1). Last evaluated 2024-12-06.

Conditions:
Hereditary spastic paraplegia 11. Also called: Spastic Paraplegia 11; Spastic paraplegia, mental retardation and thin corpus callosum; SPASTIC PARAPLEGIA, AUTOSOMAL RECESSIVE, COMPLICATED, WITH THIN CORPUS CALLOSUM; SPASTIC PARAPLEGIA, AUTOSOMAL RECESSIVE, WITH MENTAL IMPAIRMENT AND THIN CORPUS CALLOSUM; Nakamura Osame syndrome; Autosomal recessive hereditary spastic paraplegia, mental impairment, and thin corpus callosum. Identifiers: Orphanet 2822, MedGen C1858479, MONDO:0011445, OMIM 604360.

Submissions (2):

Mayo Clinic Laboratories, Mayo Clinic
Classification: Likely pathogenic. Last evaluated: 2024-12-06. Review status: criteria provided, single submitter. Criteria: ACMG Guidelines, 2015. Collection method: clinical testing. Allele origin: germline. Observed: 2 variant alleles.
Comment: PM2_supporting, PVS1

Labcorp Genetics (formerly Invitae), Labcorp
Classification: Pathogenic for Hereditary spastic paraplegia 11. Last evaluated: 2024-01-31. Review status: criteria provided, single submitter. Criteria: Invitae Variant Classification Sherloc (09022015). Collection method: clinical testing. Allele origin: germline.
Comment: This sequence change creates a premature translational stop signal (p.Tyr875*) in the SPG11 gene. It is expected to result in an absent or disrupted protein product. Loss-of-function variants in SPG11 are known to be pathogenic (PMID: 19105190, 20110243, 22154821, 26556829). This variant is not present in population databases (gnomAD no frequency). This variant has not been reported in the literature in individuals affected with SPG11-related conditions. Algorithms developed to predict the effect of sequence changes on RNA splicing suggest that this variant may create or strengthen a splice site. For these reasons, this variant has been classified as Pathogenic.

Literature cited by the submitters: PubMed 19105190 (cited by Labcorp Genetics (formerly Invitae), Labcorp); PubMed 20110243 (cited by Labcorp Genetics (formerly Invitae), Labcorp); PubMed 22154821 (cited by Labcorp Genetics (formerly Invitae), Labcorp); PubMed 26556829 (cited by Labcorp Genetics (formerly Invitae), Labcorp).